The following is an entry in ClinVar:

NM_000179.3(MSH6):c.2974G>T (p.Glu992Ter)

Gene: MSH6 (mutS homolog 6; plus strand). Cytogenetic location: 2p16.3.
Variant type: single nucleotide variant.
Coding change: c.2974G>T on transcript NM_000179.3 (MANE Select); coding-DNA position 2974, G replaced by T.
Protein change: p.Glu992Ter; replaces glutamic acid 992 with a stop codon.
Molecular consequence: nonsense.
Genome position (GRCh38, 1-based): chr2:47,800,957, G>T. VCF-style: chr2-47800957-G-T. GRCh37 (hg19) VCF-style: chr2-48028096-G-T.
Other names: c.2584G>T, p.Glu862Ter (NM_001281492.2); c.2068G>T, p.Glu690Ter (NM_001281493.2, NM_001281494.2); short protein forms E690*, E862*, E992*.
Identifiers: ClinVar variation 1069530 (VCV001069530.10), dbSNP rs774755404, ClinGen allele CA346756337.

ClinVar aggregate classification (germline): Pathogenic/Likely pathogenic. Review status: criteria provided, multiple submitters, no conflicts (2 of 4 stars). 3 submissions from 3 submitters: Pathogenic (2); Likely pathogenic (1). Last evaluated 2020-08-27.

Conditions:
Hereditary cancer-predisposing syndrome. Also called: Hereditary neoplastic syndrome; Tumor predisposition; Hereditary Cancer Syndrome; Neoplastic Syndromes, Hereditary. Identifiers: Orphanet 140162, MedGen C0027672, MeSH D009386, MONDO:0015356.
Hereditary nonpolyposis colorectal neoplasms. Identifiers: MedGen C0009405, MeSH D003123.
Lynch syndrome. Identifiers: Orphanet 144, MedGen C4552100, MONDO:0005835. Disease mechanism: loss of function.

gnomAD v4.1: 1 of 1,566,550 alleles (0.000064%); highest among the groups gnomAD compares: Non-Finnish European, 0.000086%; no homozygotes.

Submissions (3):

Labcorp Genetics (formerly Invitae), Labcorp
Classification: Pathogenic for Hereditary nonpolyposis colorectal neoplasms. Last evaluated: 2020-08-27. Review status: criteria provided, single submitter. Criteria: Invitae Variant Classification Sherloc (09022015). Collection method: clinical testing. Allele origin: germline.
Comment: This sequence change creates a premature translational stop signal (p.Glu992*) in the MSH6 gene. It is expected to result in an absent or disrupted protein product. This variant is not present in population databases (ExAC no frequency). This variant has not been reported in the literature in individuals with MSH6-related conditions. Loss-of-function variants in MSH6 are known to be pathogenic (PMID: 18269114, 24362816). For these reasons, this variant has been classified as Pathogenic.

Laboratory for Molecular Medicine, Mass General Brigham Personalized Medicine
Classification: Likely pathogenic for Lynch syndrome. Last evaluated: 2019-05-08. Review status: criteria provided, single submitter. Criteria: ACMG Guidelines, 2015. Collection method: clinical testing. Allele origin: germline.
Comment: The p.Glu992X variant in MSH6 has not been previously reported in individuals with Lynch Syndrome and was absent from large population studies. This nonsense variant leads to a premature termination codon at position 992, which is predicted to lead to a truncated or absent protein. Heterozygous loss of function of the MSH6 gene is an established disease mechanism in individuals with Lynch syndrome. In summary, this variant meets criteria to be classified as likely pathogenic for autosomal dominant Lynch syndrome. ACMG/AMP criteria applied: PVS1, PM2.

Ambry Genetics
Classification: Pathogenic for Hereditary cancer-predisposing syndrome. Last evaluated: 2019-01-11. Review status: criteria provided, single submitter. Criteria: Ambry Variant Classification Scheme 2023. Collection method: clinical testing. Allele origin: germline.
Comment: The p.E992* pathogenic mutation (also known as c.2974G>T), located in coding exon 4 of the MSH6 gene, results from a G to T substitution at nucleotide position 2974. This changes the amino acid from a glutamic acid to a stop codon within coding exon 4. This alteration is expected to result in loss of function by premature protein truncation or nonsense-mediated mRNA decay. As such, this alteration is interpreted as a disease-causing mutation.

Literature cited by the submitters: PubMed 18269114 (cited by Labcorp Genetics (formerly Invitae), Labcorp); PubMed 24362816 (cited by Labcorp Genetics (formerly Invitae), Labcorp).